The following is an entry in ClinVar:

ClinVar aggregate classification (germline): Uncertain significance (1 of 4 stars; one submission).

Conditions:
Hereditary cancer-predisposing syndrome. Also called: Neoplastic Syndromes, Hereditary; Tumor predisposition; Hereditary neoplastic syndrome; Hereditary Cancer Syndrome. Identifiers: Orphanet 140162, MedGen C0027672, MeSH D009386, MONDO:0015356.

gnomAD v4.1: 1 of 1,605,444 alleles (0.000062%); highest among the groups gnomAD compares: Non-Finnish European, 0.000085%; no homozygotes.

Submission:

Ambry Genetics
Classification: Uncertain significance for Hereditary cancer-predisposing syndrome. Last evaluated: 2026-06-30. Review status: criteria provided, single submitter. Criteria: Ambry Variant Classification Scheme 2023. Collection method: clinical testing. Allele origin: germline.
Comment: The p.V25L variant (also known as c.73G>C), located in coding exon 1 of the CDKN2A (p14ARF) gene, results from a G to C substitution at nucleotide position 73. The valine at codon 25 is replaced by leucine, an amino acid with highly similar properties. This amino acid position is well conserved in available vertebrate species. Based on the available evidence, the clinical significance of this variant remains unclear.

NM_058195.4(CDKN2A):c.73G>C (p.Val25Leu)

Gene: CDKN2A (cyclin dependent kinase inhibitor 2A; minus strand). Cytogenetic location: 9p21.3.
Variant type: single nucleotide variant.
Coding change: c.73G>C on transcript NM_058195.4 (MANE Plus Clinical); coding-DNA position 73, G replaced by C.
Protein change: p.Val25Leu; replaces valine 25 with leucine.
Molecular consequence: missense variant. On other transcripts: intron variant (1).
Genome position (GRCh38, 1-based): chr9:21,994,259, C>G on the plus strand (G>C on the coding strand, the complement: CDKN2A is on the minus strand). VCF-style: chr9-21994259-C-G. GRCh37 (hg19) VCF-style: chr9-21994258-C-G.
Other names: c.-4+562G>C (NM_001363763.2); short protein forms V25L.
Identifiers: ClinVar variation 5034242 (VCV005034242.1).